The following is an entry in ClinVar:

ClinVar aggregate classification (germline): Pathogenic (1 of 4 stars; one submission).

Submission:

Labcorp Genetics (formerly Invitae), Labcorp
Classification: Pathogenic. Last evaluated: 2019-11-23. Review status: criteria provided, single submitter. Criteria: Invitae Variant Classification Sherloc (09022015). Collection method: clinical testing. Allele origin: germline.
Comment: A gross deletion of the genomic region encompassing the full coding sequence of the CHM gene has been identified. The boundaries of this event are unknown as the deletion extends beyond the assayed region for this gene and therefore may encompass additional genes. A similar deletion has been observed in several individuals affected with choroideremia (PMID: 26133251, 7981671, 21905166, 23811034) and segregated with choroideremia in several families (PMID: 8749050, 17698759). Larger deletions involving this and neighboring genes have also been reported in families with choroideremia, deafness, and intellectual disability (PMID: 3476958). Loss-of-function variants in CHM are known to be pathogenic (PMID: 9067750, 23811034). For these reasons, this variant has been classified as Pathogenic.

Literature cited by the submitters: PubMed 21905166; PubMed 8749050; PubMed 23811034; PubMed 26133251; PubMed 17698759; PubMed 7981671; PubMed 3476958.

NC_000023.10:g.(?_82763333)_(86890775_?)del

Genes: RPS6KA6 (ribosomal protein S6 kinase A6; minus strand), SATL1 (spermidine/spermine N1-acetyl transferase like 1; minus strand), ZNF711 (zinc finger protein 711; plus strand), APOOL (apolipoprotein O like; plus strand), CHM (CHM Rab escort protein; minus strand) and 6 more. Cytogenetic location: Xq21.1-21.31.
Variant type: Deletion.
Identifiers: ClinVar variation 833505 (VCV000833505.1).